The following is an entry in ClinVar:

NM_014946.4(SPAST):c.562del (p.Ala188fs)

Gene: SPAST (spastin; plus strand). Cytogenetic location: 2p22.3.
Variant type: Deletion.
Coding change: c.562del on transcript NM_014946.4 (MANE Select); coding-DNA position 562, one base deleted (G; older notation c.562delG).
Protein change: p.Ala188fs; shifts the reading frame from alanine 188.
Molecular consequence: frameshift variant.
Genome position (GRCh38, 1-based): chr2:32,089,581, G deleted; the last of 2 consecutive G bases (chr2:32,089,580-32,089,581); deleting either gives the same sequence. VCF-style (leftmost placement, unchanged base first): chr2-32089579-TG-T. GRCh37 (hg19) VCF-style: chr2-32314648-TG-T.
Other names: c.562delG (NM_014946.3); c.559del, p.Ala187fs (NM_001363823.2, NM_001363875.2); c.562del, p.Ala188fs (NM_001377959.1, NM_199436.2); short protein forms A187fs, A188fs.
Identifiers: ClinVar variation 468573 (VCV000468573.12), dbSNP rs1553400002, ClinGen allele CA658657016.
Genomic context (GRCh38, chr2:32,089,579, plus strand): 5'-CAGGTGAACAGTGTGAAAGAGCTAGACGCCTTCAAGCTAAAATGATGACTAATTTGGTTA[TG>T]GCCAAGGACCGCTTACAACTTCTAGGTATCAATTAATGTATAATTTGATGTGGGATGTAT-3'

ClinVar aggregate classification (germline): Pathogenic. Review status: criteria provided, multiple submitters, no conflicts (2 of 4 stars). 2 submissions from 2 submitters: Pathogenic (2). Last evaluated 2018-09-27.

Conditions:
Hereditary spastic paraplegia. Also called: Familial spastic paraparesis. Identifiers: Orphanet 685, MedGen C0037773, MONDO:0019064. Disease mechanism: loss of function.
Hereditary spastic paraplegia 4. Also called: Spastic paraplegia 4, autosomal dominant; Familial spastic paraplegia autosomal dominant 2; Spastic Paraplegia 4. Identifiers: Orphanet 100985, MedGen C1866855, MONDO:0008438, OMIM 182601.

Submissions (2):

Labcorp Genetics (formerly Invitae), Labcorp
Classification: Pathogenic for Hereditary spastic paraplegia 4. Last evaluated: 2018-09-27. Review status: criteria provided, single submitter. Criteria: Invitae Variant Classification Sherloc (09022015). Collection method: clinical testing. Allele origin: germline.
Comment: This sequence change creates a premature translational stop signal (p.Ala188Profs*8) in the SPAST gene. It is expected to result in an absent or disrupted protein product. This variant is not present in population databases (ExAC no frequency). This variant has been observed in several individuals affected with hereditary spastic paraplegia (PMID: 11843700, 27957547). This variant is also known as 687delG in the literature. Loss-of-function variants in SPAST are known to be pathogenic (PMID: 20932283). For these reasons, this variant has been classified as Pathogenic.

Genome Diagnostics Laboratory, The Hospital for Sick Children
Classification: Pathogenic for Hereditary spastic paraplegia. Last evaluated: 2016-12-12. Review status: criteria provided, single submitter. Criteria: ACMG Guidelines, 2015. Collection method: clinical testing. Allele origin: germline. Affected: yes.

Literature cited by the submitters: PubMed 11843700 (cited by Labcorp Genetics (formerly Invitae), Labcorp); PubMed 27957547 (cited by Labcorp Genetics (formerly Invitae), Labcorp); PubMed 20932283 (cited by Labcorp Genetics (formerly Invitae), Labcorp).